The following is an entry in ClinVar:

NM_020964.3(EPG5):c.2731C>G (p.Leu911Val)

Gene: EPG5 (ectopic P-granules 5 autophagy tethering factor; minus strand). Cytogenetic location: 18q21.1.
Variant type: single nucleotide variant.
Coding change: c.2731C>G on transcript NM_020964.3 (MANE Select); coding-DNA position 2731, C replaced by G.
Protein change: p.Leu911Val; replaces leucine 911 with valine.
Molecular consequence: missense variant.
Genome position (GRCh38, 1-based): chr18:45,923,375, G>C on the plus strand (C>G on the coding strand, the complement: EPG5 is on the minus strand). VCF-style: chr18-45923375-G-C. GRCh37 (hg19) VCF-style: chr18-43503341-G-C.
Other names: c.2731C>G (NM_020964.2); short protein forms L911V.
Identifiers: ClinVar variation 1350466 (VCV001350466.5), dbSNP rs757435994, ClinGen allele CA8949340.

ClinVar aggregate classification (germline): Uncertain significance. Review status: criteria provided, multiple submitters, no conflicts (2 of 4 stars). 2 submissions from 2 submitters: Uncertain significance (2). Last evaluated 2025-07-31.

Conditions:
Inborn genetic diseases. Identifiers: MedGen C0950123, MeSH D030342.
Vici syndrome (VICIS). Identifiers: Orphanet 1493, MedGen C1855772, MONDO:0009452, OMIM 242840.

Allele frequency attached by ClinVar (database versions not stated): gnomAD exomes below 0.00001; TOPMed below 0.00001; ExAC 0.00001.
gnomAD v4.1: 1 of 1,612,208 alleles (0.000062%); no homozygotes.

Submissions (2):

Ambry Genetics
Classification: Uncertain significance for Inborn genetic diseases. Last evaluated: 2025-07-31. Review status: criteria provided, single submitter. Criteria: Ambry Variant Classification Scheme 2023. Collection method: clinical testing. Allele origin: germline.

Labcorp Genetics (formerly Invitae), Labcorp
Classification: Uncertain significance for Vici syndrome. Last evaluated: 2022-08-23. Review status: criteria provided, single submitter. Criteria: Invitae Variant Classification Sherloc (09022015). Collection method: clinical testing. Allele origin: germline.
Comment: This sequence change replaces leucine, which is neutral and non-polar, with valine, which is neutral and non-polar, at codon 911 of the EPG5 protein (p.Leu911Val). This variant is present in population databases (rs757435994, gnomAD 0.003%). This variant has not been reported in the literature in individuals affected with EPG5-related conditions. ClinVar contains an entry for this variant (Variation ID: 1350466). Algorithms developed to predict the effect of missense changes on protein structure and function are either unavailable or do not agree on the potential impact of this missense change (SIFT: "Deleterious"; PolyPhen-2: "Probably Damaging"; Align-GVGD: "Class C0"). In summary, the available evidence is currently insufficient to determine the role of this variant in disease. Therefore, it has been classified as a Variant of Uncertain Significance.